The following is an entry in ClinVar:

ClinVar aggregate classification (germline): Pathogenic (1 of 4 stars; one submission).

Conditions:
BCAP31-related disorder. Also called: BCAP31-related condition.

Submission:

GeneDx
Classification: Pathogenic. Last evaluated: 2025-04-10. Review status: criteria provided, single submitter. Criteria: GeneDx Variant Classification Process June 2021. Collection method: clinical testing. Allele origin: germline. Affected: yes.
Comment: Observed in hemizygous state in a patient with features consistent with BCAP31-related neurodevelopmental disorder with multiple anomalies in the published literature and not observed in hemizygous state in controls; this individual may have inherited the variant from an unaffected parent with low-level mosaicism (PMID: 39101156); Nonsense variant predicted to result in protein truncation or nonsense mediated decay in a gene for which loss of function is a known mechanism of disease; Not observed at significant frequency in large population cohorts (gnomAD); This variant is associated with the following publications: (PMID: 39101156)

NM_001256447.2(BCAP31):c.526A>T (p.Lys176Ter)

Gene: BCAP31 (B cell receptor associated protein 31; minus strand). Cytogenetic location: Xq28.
Variant type: single nucleotide variant.
Coding change: c.526A>T on transcript NM_001256447.2 (MANE Select); coding-DNA position 526, A replaced by T.
Protein change: p.Lys176Ter; replaces lysine 176 with a stop codon.
Molecular consequence: nonsense.
Genome position (GRCh38, 1-based): chrX:153,703,010, T>A on the plus strand (A>T on the coding strand, the complement: BCAP31 is on the minus strand). VCF-style: chrX-153703010-T-A. GRCh37 (hg19) VCF-style: chrX-152968465-T-A.
Other names: c.526A>T, p.Lys176Ter (NM_001139441.1, NM_005745.8); c.727A>T, p.Lys243Ter (NM_001139457.2); short protein forms K176*, K243*.
Identifiers: ClinVar variation 1339800 (VCV001339800.3), dbSNP rs2148370601, ClinGen allele CA415093447.
Genomic context (GRCh38, chrX:153,703,010, plus strand): 5'-CCAGCTCGTCCTTTAGCTTCTGCAGGTCAGCCTTCAGGCTCCTGTTCTCTTCCTCCAACT[T>A]CACCTCAGCATTCCCGACATCCAACTTGCCTCCGTCAACAGCAGCTCCCTGGGAAAAGTG-3'